The following is an entry in ClinVar:

NM_004655.4(AXIN2):c.1478C>A (p.Ser493Ter)

Gene: AXIN2 (axin 2; minus strand). Cytogenetic location: 17q24.1.
Variant type: single nucleotide variant.
Coding change: c.1478C>A on transcript NM_004655.4 (MANE Select); coding-DNA position 1478, C replaced by A.
Protein change: p.Ser493Ter; replaces serine 493 with a stop codon.
Molecular consequence: nonsense.
Genome position (GRCh38, 1-based): chr17:65,537,558, G>T on the plus strand (C>A on the coding strand, the complement: AXIN2 is on the minus strand). VCF-style: chr17-65537558-G-T. GRCh37 (hg19) VCF-style: chr17-63533676-G-T.
Other names: c.1478C>A, p.Ser493Ter (NM_001363813.1); short protein forms S493*.
Identifiers: ClinVar variation 3617952 (VCV003617952.2).

ClinVar aggregate classification (germline): Pathogenic (1 of 4 stars; one submission).

Conditions:
Oligodontia-cancer predisposition syndrome. Also called: TOOTH AGENESIS-COLORECTAL CANCER SYNDROME. Identifiers: Orphanet 300576, MedGen C1837750, MONDO:0012075, OMIM 608615. Disease mechanism: loss of function.

Submission:

Labcorp Genetics (formerly Invitae), Labcorp
Classification: Pathogenic for Oligodontia-cancer predisposition syndrome. Last evaluated: 2024-04-13. Review status: criteria provided, single submitter. Criteria: Invitae Variant Classification Sherloc (09022015). Collection method: clinical testing. Allele origin: germline.
Comment: This sequence change creates a premature translational stop signal (p.Ser493*) in the AXIN2 gene. It is expected to result in an absent or disrupted protein product. Loss-of-function variants in AXIN2 are known to be pathogenic (PMID: 15042511, 21416598). This variant is not present in population databases (gnomAD no frequency). This variant has not been reported in the literature in individuals affected with AXIN2-related conditions. For these reasons, this variant has been classified as Pathogenic.

Literature cited by the submitters: PubMed 15042511; PubMed 21416598.